The following is an entry in ClinVar:

ClinVar aggregate classification (germline): Uncertain significance. Review status: reviewed by expert panel (3 of 4 stars). 3 submissions from 3 submitters: Uncertain significance (1). 2 of the submissions do not count toward it. Last evaluated 2023-05-27.

Conditions:
Monogenic diabetes. Identifiers: Orphanet 183625, MedGen C3888631, MONDO:0015967.
Maturity-onset diabetes of the young (MODY). Also called: Maturity onset diabetes mellitus in young. Identifiers: Orphanet 552, MedGen C0342276, MONDO:0018911, HP:0004904.

Submissions (3):

ClinGen Monogenic Diabetes Variant Curation Expert Panel
Classification: Uncertain significance for Monogenic diabetes. Last evaluated: 2023-05-27. Review status: reviewed by expert panel. Criteria: MDEP HNF4A Specificiations 1.0.0. Collection method: curation. Allele origin: germline. Inheritance: Autosomal dominant inheritance.
Comment: The c.789G>C variant in the hepatocyte nuclear factor-4-alpha gene, HNF4A, causes an amino acid change of glutamic acid to aspartic acid at codon 263 (p.(Glu263Asp)) of NM_175914.4. This variant is absent from gnomAD v2.1.1 (PM2_Supporting). Another missense variant, c.787G>C p.Glu263Gln, has been classified as likely pathogenic by the ClinGen MDEP (PM5_Supporting). This variant is predicted to be deleterious by computational evidence, with a REVEL score of 0.8289, which is greater than the MDEP VCEP threshold of 0.70 (PP3). In summary, c.789G>C meets the criteria to be classified as a variant of uncertain significance for monogenic diabetes. ACMG/AMP criteria applied, as specified by the ClinGen MDEP (specification version 1.0.0, approved 11/16/2022): PM2_Supporting, PM5_Supporting, PP3, PP4_Moderate.

Athena Diagnostics
Classification: Uncertain significance. Last evaluated: 2018-07-23. Review status: criteria provided, single submitter. Criteria: Athena Diagnostics Criteria. Collection method: clinical testing. Allele origin: germline. Not counted in ClinVar's aggregate classification.

Clinical Genomics, Uppaluri K&H Personalized Medicine Clinic
Classification: Uncertain risk allele for Maturity-onset diabetes of the young. Review status: criteria provided, single submitter. Criteria: K & H Uppaluri Personalized Medicine Clinic Variant Classification & Assertion Criteria_Updated V.1. Collection method: research. Allele origin: unknown. Inheritance: Autosomal dominant inheritance. Not counted in ClinVar's aggregate classification.
Comment: Potent mutations in HNF4A are associated with poor insulin secretion in response to hyperglycemia. Associated with MODY1. Patients initially respond well to sulfonylureas but eventually become insulin dependent. However, more evidence is required to ascertain the role of this particular variant rs1568736971 in MODY, yet.

Literature cited by the submitters: PubMed 18268044 (cited by Clinical Genomics, Uppaluri K&H Personalized Medicine Clinic); PubMed 17563455 (cited by Clinical Genomics, Uppaluri K&H Personalized Medicine Clinic); PubMed 32583173 (cited by Clinical Genomics, Uppaluri K&H Personalized Medicine Clinic); PubMed 35052457 (cited by Clinical Genomics, Uppaluri K&H Personalized Medicine Clinic); PubMed 35118593 (cited by Clinical Genomics, Uppaluri K&H Personalized Medicine Clinic); DOI 10.1159/000334532 (cited by Clinical Genomics, Uppaluri K&H Personalized Medicine Clinic).

NM_175914.5(HNF4A):c.789G>C (p.Glu263Asp)

Gene: HNF4A (hepatocyte nuclear factor 4 alpha; plus strand). Cytogenetic location: 20q13.12.
Variant type: single nucleotide variant.
Coding change: c.789G>C on transcript NM_175914.5 (MANE Select); coding-DNA position 789, G replaced by C.
Protein change: p.Glu263Asp; replaces glutamic acid 263 with aspartic acid.
Molecular consequence: missense variant.
Genome position (GRCh38, 1-based): chr20:44,419,839, G>C. VCF-style: chr20-44419839-G-C. GRCh37 (hg19) VCF-style: chr20-43048479-G-C.
Other names: NM_175914.5(HNF4A):c.789G>C; p.Glu263Asp; c.855G>C, p.Glu285Asp (NM_000457.6, NM_178849.3, NM_178850.3); c.789G>C, p.Glu263Asp (NM_001030003.3, NM_001030004.3); c.834G>C, p.Glu278Asp (NM_001258355.2); c.780G>C, p.Glu260Asp (NM_001287182.2, NM_001287183.2, NM_001287184.2); short protein forms E260D, E263D, E285D, E278D.
Identifiers: ClinVar variation 586021 (VCV000586021.3), dbSNP rs1568736971, ClinGen allele CA409107570.